The following is an entry in ClinVar:

ClinVar aggregate classification (germline): Pathogenic. Review status: criteria provided, multiple submitters, no conflicts (2 of 4 stars). 4 submissions from 4 submitters: Pathogenic (3). 1 of the submissions does not count toward it. Last evaluated 2025-06-11.

Conditions:
Hermansky-Pudlak syndrome 7 (HPS7). Identifiers: Orphanet 231531, Orphanet 79430, MedGen C3279756, MONDO:0013559, OMIM 614076.

Allele frequency attached by ClinVar (database versions not stated): gnomAD exomes 0.00001 and 0.00004; TOPMed 0.00005; gnomAD 0.00001; ExAC 0.00002.
gnomAD v4.1: 16 of 1,613,764 alleles (0.00099%); highest among the groups gnomAD compares: Admixed American, 0.015%; no homozygotes.

Submissions (4):

Labcorp Genetics (formerly Invitae), Labcorp
Classification: Pathogenic. Last evaluated: 2025-06-11. Review status: criteria provided, single submitter. Criteria: Invitae Variant Classification Sherloc (09022015). Collection method: clinical testing. Allele origin: germline.
Comment: This sequence change creates a premature translational stop signal (p.Gln103*) in the DTNBP1 gene. It is expected to result in an absent or disrupted protein product. Loss-of-function variants in DTNBP1 are known to be pathogenic (PMID: 12923531, 23364359). This variant is present in population databases (rs104893945, gnomAD 0.01%). This premature translational stop signal has been observed in individual(s) with Hermansky-Pudlak syndrome (PMID: 12923531, 30990103). ClinVar contains an entry for this variant (Variation ID: 3432). For these reasons, this variant has been classified as Pathogenic.

Dasa
Classification: Pathogenic. Last evaluated: 2024-07-16. Review status: criteria provided, single submitter. Criteria: DASA Assertion Criteria. Collection method: clinical testing. Allele origin: germline.
Comment: NM_032122.5(DTNBP1):c.307C>T (p.Gln103*) introduces a premature termination codon predicted to result in loss of normal protein function. Loss-of-function is an established mechanism of disease for this gene. This variant has been recurrently observed in individuals with related phenotype (PMID: 12923531; PMID: 28259707). The variant is present at low frequency in population datasets. Based on the available data, this variant is classified as pathogenic.

Genetic Services Laboratory, University of Chicago
Classification: Pathogenic for Hermansky-Pudlak syndrome 7. Last evaluated: 2017-02-20. Review status: criteria provided, single submitter. Criteria: ACMG Guidelines, 2015. Collection method: clinical testing. Allele origin: germline. Affected: yes.

OMIM
Classification: Pathogenic for HERMANSKY-PUDLAK SYNDROME 7. Last evaluated: 2003-09-01. Review status: no assertion criteria provided. Collection method: literature only. Allele origin: germline. Not counted in ClinVar's aggregate classification.

Literature cited by the submitters: PubMed 12923531 (cited by 3 submitters); PubMed 23364359 (cited by Labcorp Genetics (formerly Invitae), Labcorp); PubMed 30990103 (cited by Labcorp Genetics (formerly Invitae), Labcorp); PubMed 28259707 (cited by Dasa and OMIM).

NM_032122.5(DTNBP1):c.307C>T (p.Gln103Ter)

Gene: DTNBP1 (dystrobrevin binding protein 1; minus strand). Cytogenetic location: 6p22.3.
Variant type: single nucleotide variant.
Coding change: c.307C>T on transcript NM_032122.5 (MANE Select); coding-DNA position 307, C replaced by T.
Protein change: p.Gln103Ter; replaces glutamine 103 with a stop codon.
Molecular consequence: nonsense. On other transcripts: non-coding transcript variant (1).
Genome position (GRCh38, 1-based): chr6:15,627,391, G>A on the plus strand (C>T on the coding strand, the complement: DTNBP1 is on the minus strand). VCF-style: chr6-15627391-G-A. GRCh37 (hg19) VCF-style: chr6-15627622-G-A.
Other names: c.64C>T, p.Gln22Ter (NM_001271667.2); c.256C>T, p.Gln86Ter (NM_001271668.2); c.202C>T, p.Gln68Ter (NM_001271669.2); c.307C>T, p.Gln103Ter (NM_183040.2); short protein forms Q103*, Q68*, Q86*, Q22*.
Identifiers: ClinVar variation 3432 (VCV000003432.13), dbSNP rs104893945, ClinGen allele CA340087.